The following is an entry in ClinVar:

NM_000053.4(ATP7B):c.3089G>T (p.Gly1030Val)

Gene: ATP7B (ATPase copper transporting beta; minus strand). Cytogenetic location: 13q14.3.
Variant type: single nucleotide variant.
Coding change: c.3089G>T on transcript NM_000053.4 (MANE Select); coding-DNA position 3089, G replaced by T.
Protein change: p.Gly1030Val; replaces glycine 1030 with valine.
Molecular consequence: missense variant.
Genome position (GRCh38, 1-based): chr13:51,944,263, C>A on the plus strand (G>T on the coding strand, the complement: ATP7B is on the minus strand). VCF-style: chr13-51944263-C-A. GRCh37 (hg19) VCF-style: chr13-52518399-C-A.
Other names: c.2954G>T, p.Gly985Val (NM_001406519.1); c.2945G>T, p.Gly982Val (NM_001406520.1, NM_001406521.1, NM_001406522.1); c.2912G>T, p.Gly971Val (NM_001406524.1); c.2894G>T, p.Gly965Val (NM_001406525.1); c.3089G>T, p.Gly1030Val (NM_001406526.1, NM_001406511.1, NM_001406512.1); c.2855G>T, p.Gly952Val (NM_001406527.1, NM_001406528.1, NM_001330578.2 and 1 more transcripts); c.2849G>T, p.Gly950Val (NM_001406530.1); c.2603G>T, p.Gly868Val (NM_001406541.1, NM_001406542.1); and 19 more; short protein forms G1012V, G1019V, G1028V, G1030V, G600V, G749V, G803V, G814V.
Identifiers: ClinVar variation 2419042 (VCV002419042.7), dbSNP rs2138958110, ClinGen allele CA388030533.

ClinVar aggregate classification (germline): Likely pathogenic. Review status: criteria provided, multiple submitters, no conflicts (2 of 4 stars). 2 submissions from 2 submitters: Likely pathogenic (2). Last evaluated 2026-01-28.

Conditions:
Wilson disease (WND). Also called: Wilson's disease. Identifiers: Orphanet 905, MedGen C0019202, MONDO:0010200, OMIM 277900. Disease mechanism: loss of function.

Submissions (2):

Labcorp Genetics (formerly Invitae), Labcorp
Classification: Likely pathogenic for Wilson disease. Last evaluated: 2026-01-28. Review status: criteria provided, single submitter. Criteria: Invitae Variant Classification Sherloc (09022015). Collection method: clinical testing. Allele origin: germline.
Comment: This sequence change replaces glycine, which is neutral and non-polar, with valine, which is neutral and non-polar, at codon 1030 of the ATP7B protein (p.Gly1030Val). This variant is not present in population databases (gnomAD no frequency). This missense change has been observed in individual(s) with Wilson disease (PMID: 31172689). ClinVar contains an entry for this variant (Variation ID: 2419042). Invitae Evidence Modeling of protein sequence and biophysical properties (such as structural, functional, and spatial information, amino acid conservation, physicochemical variation, residue mobility, and thermodynamic stability) indicates that this missense variant is expected to disrupt ATP7B protein function with a positive predictive value of 80%. This variant disrupts the p.Gly1030 amino acid residue in ATP7B. Other variant(s) that disrupt this residue have been determined to be pathogenic (PMID: 19596473, 23551039, 26799313, 30655162). This suggests that this residue is clinically significant, and that variants that disrupt this residue are likely to be disease-causing. In summary, the currently available evidence indicates that the variant is pathogenic, but additional data are needed to prove that conclusively. Therefore, this variant has been classified as Likely Pathogenic.

Natera, Inc.
Classification: Likely pathogenic for Wilson disease. Last evaluated: 2025-06-20. Review status: criteria provided, single submitter. Criteria: Natera Variant Classification Schema (03/2026). Collection method: clinical testing. Allele origin: germline.
Comment: The c.3089G>T variant in ATP7B is a missense variant predicted to cause substitution of glycine to valine at amino acid 1030. This variant is rare in the general population with a frequency below the threshold expected for the associated phenotype(s). This variant has been observed in one or more individuals affected with the associated recessive disease, as either homozygous or compound heterozygous with a second variant (PMID: 38847512). A different variant at the same position has been determined to be Pathogenic or Likely Pathogenic. Computational prediction algorithms indicate this variant is likely to affect gene or protein function. Given the available evidence, this variant is classified as Likely Pathogenic.

Literature cited by the submitters: PubMed 31172689 (cited by Labcorp Genetics (formerly Invitae), Labcorp); PubMed 19596473 (cited by Labcorp Genetics (formerly Invitae), Labcorp); PubMed 23551039 (cited by Labcorp Genetics (formerly Invitae), Labcorp); PubMed 26799313 (cited by Labcorp Genetics (formerly Invitae), Labcorp); PubMed 30655162 (cited by Labcorp Genetics (formerly Invitae), Labcorp); PubMed 38847512 (cited by Natera, Inc.).